The following is an entry in ClinVar:

NM_177438.3(DICER1):c.4606G>A (p.Gly1536Ser)

Gene: DICER1 (dicer 1, ribonuclease III; minus strand). Cytogenetic location: 14q32.13.
Variant type: single nucleotide variant.
Coding change: c.4606G>A on transcript NM_177438.3 (MANE Select); coding-DNA position 4606, G replaced by A.
Protein change: p.Gly1536Ser; replaces glycine 1536 with serine.
Molecular consequence: missense variant. On other transcripts: non-coding transcript variant (6).
Genome position (GRCh38, 1-based): chr14:95,096,314, C>T on the plus strand (G>A on the coding strand, the complement: DICER1 is on the minus strand). VCF-style: chr14-95096314-C-T. GRCh37 (hg19) VCF-style: chr14-95562651-C-T.
Other names: c.4606G>A, p.Gly1536Ser (NM_001195573.1, NM_001271282.3, NM_001291628.2 and 12 more transcripts); c.4324G>A, p.Gly1442Ser (NM_001395686.1); c.4201G>A, p.Gly1401Ser (NM_001395687.1, NM_001395688.1, NM_001395689.1 and 2 more transcripts); c.4039G>A, p.Gly1347Ser (NM_001395691.1); c.2923G>A, p.Gly975Ser (NM_001395697.1); short protein forms G975S, G1442S, G1536S, G1401S, G1347S.
Identifiers: ClinVar variation 3501849 (VCV003501849.1).

ClinVar aggregate classification (germline): Uncertain significance (1 of 4 stars; one submission).

Conditions:
Hereditary cancer-predisposing syndrome. Also called: Tumor predisposition; Neoplastic Syndromes, Hereditary; Hereditary Cancer Syndrome; Hereditary neoplastic syndrome. Identifiers: Orphanet 140162, MedGen C0027672, MeSH D009386, MONDO:0015356.

gnomAD v4.1: 1 of 1,614,208 alleles (0.000062%); highest among the groups gnomAD compares: Non-Finnish European, 0.000085%; no homozygotes.

Submission:

Ambry Genetics
Classification: Uncertain significance for Hereditary cancer-predisposing syndrome. Last evaluated: 2024-07-07. Review status: criteria provided, single submitter. Criteria: Ambry Variant Classification Scheme 2023. Collection method: clinical testing. Allele origin: germline.
Comment: The p.G1536S variant (also known as c.4606G>A), located in coding exon 22 of the DICER1 gene, results from a G to A substitution at nucleotide position 4606. The glycine at codon 1536 is replaced by serine, an amino acid with similar properties. This amino acid position is conserved. In addition, the in silico prediction for this alteration is inconclusive. Based on the available evidence, the clinical significance of this variant remains unclear.